The following is an entry in ClinVar:

NM_182548.4(LHFPL5):c.380A>G (p.Tyr127Cys)

Gene: LHFPL5 (LHFPL tetraspan subfamily member 5; plus strand). Cytogenetic location: 6p21.31.
Variant type: single nucleotide variant.
Coding change: c.380A>G on transcript NM_182548.4 (MANE Select); coding-DNA position 380, A replaced by G.
Protein change: p.Tyr127Cys; replaces tyrosine 127 with cysteine.
Molecular consequence: missense variant.
Genome position (GRCh38, 1-based): chr6:35,806,050, A>G. VCF-style: chr6-35806050-A-G. GRCh37 (hg19) VCF-style: chr6-35773827-A-G.
Other names: short protein forms Y127C.
Identifiers: ClinVar variation 1695 (VCV000001695.3), dbSNP rs104893975, ClinGen allele CA251915.
Genomic context (GRCh38, chr6:35,806,050, plus strand): 5'-TCATCATTGGCTCCATCATCTGCTTCAGCCTGTTCTTCATCTGCAACACGGCCACAGTCT[A>G]TAAGATCTGTGCATGGATGCAGCTGGCTGCGGGTAAGCAGAGATGGTGGGAGGGCAGGCA-3'
Protein context (NP_872354.1, residues 117-137): LFFICNTATV[Tyr127Cys]KICAWMQLAA

ClinVar aggregate classification (germline): Likely pathogenic. Review status: criteria provided, single submitter (1 of 4 stars). 2 submissions from 2 submitters: Likely pathogenic (1). 1 of the submissions does not count toward it.

Conditions:
Autosomal recessive nonsyndromic hearing loss 67. Identifiers: Orphanet 90636, MedGen C1853223, MONDO:0012460, OMIM 610265.

Allele frequency attached by ClinVar (database versions not stated): gnomAD 0.00001; gnomAD exomes 0.00001 and 0.00003; TOPMed 0.00003; ExAC 0.00004.
gnomAD v4.1: 13 of 1,614,020 alleles (0.00081%); highest among the groups gnomAD compares: South Asian, 0.0022%; no homozygotes.

Submissions (2):

Genetics Research Center, University of Social Welfare and Rehabilitation Sciences
Classification: Likely pathogenic for Autosomal recessive nonsyndromic hearing loss 67. Review status: criteria provided, single submitter. Criteria: ACMG Guidelines, 2015. Collection method: research. Allele origin: germline. Affected: yes.
Comment: The variant is present in the gnomAD v2.1.1 dataset at a very low allele frequency (0.003%) and has been previously reported in individual(s) affected with LHFPL5-related hearing loss (PMID:30177809, 16459341). It has also been observed to segregate with disease in the families. The variant is predicted to be damaging by multiple in-silico tools.

OMIM
Classification: Pathogenic for DEAFNESS, AUTOSOMAL RECESSIVE 67. Last evaluated: 2006-08-01. Review status: no assertion criteria provided. Collection method: literature only. Allele origin: germline. Not counted in ClinVar's aggregate classification.

Literature cited by the submitters: PubMed 30177809 (cited by Genetics Research Center, University of Social Welfare and Rehabilitation Sciences); PubMed 16459341 (cited by Genetics Research Center, University of Social Welfare and Rehabilitation Sciences and OMIM).